The following is an entry in ClinVar:

ClinVar aggregate classification (germline): Likely pathogenic (1 of 4 stars; one submission).

Submission:

Labcorp Genetics (formerly Invitae), Labcorp
Classification: Likely pathogenic. Last evaluated: 2025-05-13. Review status: criteria provided, single submitter. Criteria: Invitae Variant Classification Sherloc (09022015). Collection method: clinical testing. Allele origin: germline.
Comment: This sequence change replaces glycine, which is neutral and non-polar, with aspartic acid, which is acidic and polar, at codon 1080 of the COL2A1 protein (p.Gly1080Asp). This variant is not present in population databases (gnomAD no frequency). This missense change has been observed in individual(s) with spondyloepiphyseal dysplasia (internal data). Invitae Evidence Modeling of protein sequence and biophysical properties (such as structural, functional, and spatial information, amino acid conservation, physicochemical variation, residue mobility, and thermodynamic stability) indicates that this missense variant is expected to disrupt COL2A1 protein function with a positive predictive value of 95%. This variant disrupts the triple helix domain of COL2A1. Glycine residues within the Gly-Xaa-Yaa repeats of the triple helix domain are required for the structure and stability of fibrillar collagens (PMID: 7695699, 8218237, 19344236). In COL2A1, variants affecting these glycine residues are significantly enriched in individuals with disease (PMID: 9016532, 17078022) compared to the general population (ExAC). In summary, the currently available evidence indicates that the variant is pathogenic, but additional data are needed to prove that conclusively. Therefore, this variant has been classified as Likely Pathogenic.

Literature cited by the submitters: PubMed 7695699; PubMed 8218237; PubMed 19344236; PubMed 9016532; PubMed 17078022.

NM_001844.5(COL2A1):c.3239G>A (p.Gly1080Asp)

Gene: COL2A1 (collagen type II alpha 1 chain; minus strand). Cytogenetic location: 12q13.11.
Variant type: single nucleotide variant.
Coding change: c.3239G>A on transcript NM_001844.5 (MANE Select); coding-DNA position 3239, G replaced by A.
Protein change: p.Gly1080Asp; replaces glycine 1080 with aspartic acid.
Molecular consequence: missense variant.
Genome position (GRCh38, 1-based): chr12:47,977,354, C>T on the plus strand (G>A on the coding strand, the complement: COL2A1 is on the minus strand). VCF-style: chr12-47977354-C-T. GRCh37 (hg19) VCF-style: chr12-48371137-C-T.
Other names: c.3032G>A, p.Gly1011Asp (NM_033150.3); short protein forms G1011D, G1080D.
Identifiers: ClinVar variation 4747051 (VCV004747051.1).